The following is an entry in ClinVar:

NM_000329.3(RPE65):c.317G>A (p.Cys106Tyr)

Gene: RPE65 (retinoid isomerohydrolase RPE65; minus strand). Cytogenetic location: 1p31.3.
Variant type: single nucleotide variant.
Coding change: c.317G>A on transcript NM_000329.3 (MANE Select); coding-DNA position 317, G replaced by A.
Protein change: p.Cys106Tyr; replaces cysteine 106 with tyrosine.
Molecular consequence: missense variant.
Genome position (GRCh38, 1-based): chr1:68,444,812, C>T on the plus strand (G>A on the coding strand, the complement: RPE65 is on the minus strand). VCF-style: chr1-68444812-C-T. GRCh37 (hg19) VCF-style: chr1-68910495-C-T.
Other names: c.41G>A, p.Cys14Tyr (NM_001406856.1, NM_001406857.1); c.317G>A, p.Cys106Tyr (NM_001406859.1, NM_001406860.1); short protein forms C14Y, C106Y.
Identifiers: ClinVar variation 2048026 (VCV002048026.24), dbSNP rs142052358, ClinGen allele CA902546.
Genomic context (GRCh38, chr1:68,444,812, plus strand): 5'-AACATTCAGTTTGGGTTCAGTAACCTGGAAAATATATTCTTGCAGGGATCTGGGAAAGCA[C>T]AGGTGCCAAATTCTGTTATGACGATCCTTTTCTCAGTCATTGCCCGTACGTAAGCATCAG-3'
Protein context (NP_000320.1, residues 96-116): KRIVITEFGT[Cys106Tyr]AFPDPCKNIF

ClinVar aggregate classification (germline): Uncertain significance. Review status: criteria provided, multiple submitters, no conflicts (2 of 4 stars). 3 submissions from 3 submitters: Uncertain significance (3). Last evaluated 2024-02-01.

Conditions:
Retinal dystrophy. Also called: Inherited retinal dystrophy. Identifiers: Orphanet 71862, MedGen C0854723, MeSH D058499, MONDO:0019118, HP:0000556.
Leber congenital amaurosis 2 (LCA2). Also called: AMAUROSIS CONGENITA OF LEBER II; Autosomal Recessive RPE65-Related Retinal Degeneration. Identifiers: Orphanet 65, MedGen C1859844, MONDO:0008765, OMIM 204100. Disease mechanism: loss of function.
Retinitis pigmentosa 20 (RP20). Identifiers: Orphanet 791, MedGen C3151086, MONDO:0013425, OMIM 613794.

Allele frequency attached by ClinVar (database versions not stated): ExAC 0.00001; gnomAD 0.00001; gnomAD exomes 0.00001; 1000 Genomes Project 30x 0.00016; 1000 Genomes Project 0.00020.

Submissions (3):

CeGaT Center for Human Genetics Tuebingen
Classification: Uncertain significance. Last evaluated: 2024-02-01. Review status: criteria provided, single submitter. Criteria: CeGaT Center For Human Genetics Tuebingen Variant Classification Criteria Version 2. Collection method: clinical testing. Allele origin: germline. Affected: yes. Observed: 1 variant allele.
Comment: RPE65: PM2

Dept Of Ophthalmology, Nagoya University
Classification: Uncertain significance for Retinal dystrophy. Last evaluated: 2023-10-01. Review status: criteria provided, single submitter. Criteria: Submitter's publication. Collection method: research. Allele origin: germline. Affected: yes.

Labcorp Genetics (formerly Invitae), Labcorp
Classification: Uncertain significance for Leber congenital amaurosis 2; Retinitis pigmentosa 20. Last evaluated: 2023-07-31. Review status: criteria provided, single submitter. Criteria: Invitae Variant Classification Sherloc (09022015). Collection method: clinical testing. Allele origin: germline.
Comment: In summary, the available evidence is currently insufficient to determine the role of this variant in disease. Therefore, it has been classified as a Variant of Uncertain Significance. Advanced modeling of protein sequence and biophysical properties (such as structural, functional, and spatial information, amino acid conservation, physicochemical variation, residue mobility, and thermodynamic stability) performed at Invitae indicates that this missense variant is not expected to disrupt RPE65 protein function. ClinVar contains an entry for this variant (Variation ID: 2048026). This variant has not been reported in the literature in individuals affected with RPE65-related conditions. This variant is present in population databases (rs142052358, gnomAD 0.006%). This sequence change replaces cysteine, which is neutral and slightly polar, with tyrosine, which is neutral and polar, at codon 106 of the RPE65 protein (p.Cys106Tyr).